The following is an entry in ClinVar:

NM_001918.5(DBT):c.535C>T (p.Arg179Cys)

Gene: DBT (dihydrolipoamide branched chain transacylase E2; minus strand). Cytogenetic location: 1p21.2.
Variant type: single nucleotide variant.
Coding change: c.535C>T on transcript NM_001918.5 (MANE Select); coding-DNA position 535, C replaced by T.
Protein change: p.Arg179Cys; replaces arginine 179 with cysteine.
Molecular consequence: missense variant. On other transcripts: 5 prime UTR variant (2), non-coding transcript variant (4).
Genome position (GRCh38, 1-based): chr1:100,218,646, G>A on the plus strand (C>T on the coding strand, the complement: DBT is on the minus strand). VCF-style: chr1-100218646-G-A. GRCh37 (hg19) VCF-style: chr1-100684202-G-A.
Other names: c.-9C>T (NM_001399969.1, NM_001399972.1); short protein forms R179C.
Identifiers: ClinVar variation 2672342 (VCV002672342.23), dbSNP rs2524164519, ClinGen allele CA341340488.
Genomic context (GRCh38, chr1:100,218,646, plus strand): 5'-TTCCTATACAATCTCAGACTTAAATATTAAGAGAACTTACATTGTTTTCCATTGCCAGAC[G>A]GCGAACTGCAGGAGTTGCCAGTGTTTTTCGGCCCTTTATCTCTTGGTGTGTATGTTCATC-3'
Protein context (NP_001909.4, residues 169-189): RKTLATPAVR[Arg179Cys]LAMENNIKLS

ClinVar aggregate classification (germline): Uncertain significance (1 of 4 stars; one submission).

Allele frequency attached by ClinVar (database versions not stated): gnomAD exomes below 0.00001.

Submission:

CeGaT Center for Human Genetics Tuebingen
Classification: Uncertain significance. Last evaluated: 2023-11-01. Review status: criteria provided, single submitter. Criteria: CeGaT Center For Human Genetics Tuebingen Variant Classification Criteria Version 2. Collection method: clinical testing. Allele origin: germline. Affected: yes. Observed: 1 variant allele.
Comment: DBT: PM2